The following is an entry in ClinVar:

ClinVar aggregate classification (germline): Uncertain significance. Review status: criteria provided, multiple submitters, no conflicts (2 of 4 stars). 2 submissions from 2 submitters: Uncertain significance (2). Last evaluated 2025-11-22.

Conditions:
Cardiovascular phenotype. Identifiers: MedGen CN230736.
Progressive familial heart block type IB (PFHB1B). Identifiers: Orphanet 871, MedGen C1970298, MONDO:0011474, OMIM 604559.

Submissions (2):

Labcorp Genetics (formerly Invitae), Labcorp
Classification: Uncertain significance for Progressive familial heart block type IB. Last evaluated: 2025-11-22. Review status: criteria provided, single submitter. Criteria: Invitae Variant Classification Sherloc (09022015). Collection method: clinical testing. Allele origin: germline.
Comment: This sequence change replaces arginine, which is basic and polar, with tryptophan, which is neutral and slightly polar, at codon 1067 of the TRPM4 protein (p.Arg1067Trp). This variant is not present in population databases (gnomAD no frequency). This variant has not been reported in the literature in individuals affected with TRPM4-related conditions. ClinVar contains an entry for this variant (Variation ID: 2561651). An algorithm developed to predict the effect of missense changes on protein structure and function (PolyPhen-2) suggests that this variant is likely to be tolerated. In summary, the available evidence is currently insufficient to determine the role of this variant in disease. Therefore, it has been classified as a Variant of Uncertain Significance.

Ambry Genetics
Classification: Uncertain significance for Cardiovascular phenotype. Last evaluated: 2023-06-03. Review status: criteria provided, single submitter. Criteria: Ambry Variant Classification Scheme 2023. Collection method: clinical testing. Allele origin: germline.
Comment: The p.R1067W variant (also known as c.3199C>T), located in coding exon 21 of the TRPM4 gene, results from a C to T substitution at nucleotide position 3199. The arginine at codon 1067 is replaced by tryptophan, an amino acid with dissimilar properties. This amino acid position is conserved. In addition, this alteration is predicted to be tolerated by in silico analysis. Since supporting evidence is limited at this time, the clinical significance of this alteration remains unclear.

NM_017636.4(TRPM4):c.3199C>T (p.Arg1067Trp)

Gene: TRPM4 (transient receptor potential cation channel subfamily M member 4; plus strand). Cytogenetic location: 19q13.33.
Variant type: single nucleotide variant.
Coding change: c.3199C>T on transcript NM_017636.4 (MANE Select); coding-DNA position 3199, C replaced by T.
Protein change: p.Arg1067Trp; replaces arginine 1067 with tryptophan.
Molecular consequence: missense variant.
Genome position (GRCh38, 1-based): chr19:49,210,276, C>T. VCF-style: chr19-49210276-C-T. GRCh37 (hg19) VCF-style: chr19-49713533-C-T.
Other names: c.2764C>T, p.Arg922Trp (NM_001195227.2); c.2854C>T, p.Arg952Trp (NM_001321281.2); c.1591C>T, p.Arg531Trp (NM_001321282.2); c.2677C>T, p.Arg893Trp (NM_001321283.2); c.2137C>T, p.Arg713Trp (NM_001321285.2); short protein forms R1067W, R893W, R922W, R952W, R531W, R713W.
Identifiers: ClinVar variation 2561651 (VCV002561651.3), dbSNP rs2514238484, ClinGen allele CA406771767.